The following is an entry in ClinVar:

NM_015331.3(NCSTN):c.1081T>G (p.Ser361Ala)

Gene: NCSTN (nicastrin; plus strand). Cytogenetic location: 1q23.2.
Variant type: single nucleotide variant.
Coding change: c.1081T>G on transcript NM_015331.3 (MANE Select); coding-DNA position 1081, T replaced by G.
Protein change: p.Ser361Ala; replaces serine 361 with alanine.
Molecular consequence: missense variant.
Genome position (GRCh38, 1-based): chr1:160,352,971, T>G. VCF-style: chr1-160352971-T-G. GRCh37 (hg19) VCF-style: chr1-160322761-T-G.
Other names: c.1021T>G, p.Ser341Ala (NM_001290184.2); c.667T>G, p.Ser223Ala (NM_001290186.2); c.1081T>G, p.Ser361Ala (NM_001349729.2); short protein forms S223A, S341A, S361A.
Identifiers: ClinVar variation 1896536 (VCV001896536.5), dbSNP rs1439781320, ClinGen allele CA343280885.
Genomic context (GRCh38, chr1:160,352,971, plus strand): 5'-TCGAGGATGGTCTACGATATGGAGAAGGGCAAGTTTCCCGTGCAGTTAGAGAATGTTGAC[T>G]CATTTGTGGAGCTGGGACAGGTATGTGGCATGTCCCCCAGCCCCTTCCTTTTTAATTAAA-3'
Protein context (NP_056146.1, residues 351-371): KFPVQLENVD[Ser361Ala]FVELGQVALR

ClinVar aggregate classification (germline): Uncertain significance (1 of 4 stars; one submission).

Allele frequency attached by ClinVar (database versions not stated): gnomAD 0.00001; TOPMed 0.00001.
gnomAD v4.1: 1 of 1,613,932 alleles (0.000062%); highest among the groups gnomAD compares: African/African-American, 0.0013%; no homozygotes.

Submission:

Labcorp Genetics (formerly Invitae), Labcorp
Classification: Uncertain significance. Last evaluated: 2024-10-29. Review status: criteria provided, single submitter. Criteria: Invitae Variant Classification Sherloc (09022015). Collection method: clinical testing. Allele origin: germline.
Comment: This sequence change replaces serine, which is neutral and polar, with alanine, which is neutral and non-polar, at codon 361 of the NCSTN protein (p.Ser361Ala). This variant is present in population databases (no rsID available, gnomAD 0.01%). This variant has not been reported in the literature in individuals affected with NCSTN-related conditions. ClinVar contains an entry for this variant (Variation ID: 1896536). Invitae Evidence Modeling of protein sequence and biophysical properties (such as structural, functional, and spatial information, amino acid conservation, physicochemical variation, residue mobility, and thermodynamic stability) indicates that this missense variant is not expected to disrupt NCSTN protein function with a negative predictive value of 80%. In summary, the available evidence is currently insufficient to determine the role of this variant in disease. Therefore, it has been classified as a Variant of Uncertain Significance.